The following is an entry in ClinVar:

ClinVar aggregate classification (germline): Uncertain significance (1 of 4 stars; one submission).

Conditions:
Inborn genetic diseases. Identifiers: MedGen C0950123, MeSH D030342.

gnomAD v4.1: 5 of 1,614,030 alleles (0.00031%); highest among the groups gnomAD compares: Non-Finnish European, 0.00034%; no homozygotes.

Submission:

Ambry Genetics
Classification: Uncertain significance for Inborn genetic diseases. Last evaluated: 2025-02-21. Review status: criteria provided, single submitter. Criteria: Ambry Variant Classification Scheme 2023. Collection method: clinical testing. Allele origin: germline.
Comment: The p.S43L variant (also known as c.128C>T), located in coding exon 2 of the HAX1 gene, results from a C to T substitution at nucleotide position 128. The serine at codon 43 is replaced by leucine, an amino acid with dissimilar properties. This amino acid position is conserved. In addition, this alteration is predicted to be tolerated by in silico analysis. Based on the available evidence, the clinical significance of this variant remains unclear.

NM_006118.4(HAX1):c.128C>T (p.Ser43Leu)

Gene: HAX1 (HCLS1 associated protein X-1; plus strand). Cytogenetic location: 1q21.3.
Variant type: single nucleotide variant.
Coding change: c.128C>T on transcript NM_006118.4 (MANE Select); coding-DNA position 128, C replaced by T.
Protein change: p.Ser43Leu; replaces serine 43 with leucine.
Molecular consequence: missense variant. On other transcripts: intron variant (1).
Genome position (GRCh38, 1-based): chr1:154,273,410, C>T. VCF-style: chr1-154273410-C-T. GRCh37 (hg19) VCF-style: chr1-154245886-C-T.
Other names: c.54-70C>T (NM_001018837.2); short protein forms S43L.
Identifiers: ClinVar variation 3856895 (VCV003856895.1).
Genomic context (GRCh38, chr1:154,273,410, plus strand): 5'-TTTTTGGAGGGATGACTCGAGATGAAGATGATGATGAGGAAGAAGAAGAAGAAGGGGGCT[C>T]ATGGGGCCGTGGGAACCCAAGGTTCCATAGTCCTCAGCACCCCCCTGAGGAATTTGGCTT-3'
Protein context (NP_006109.2, residues 33-53): DDEEEEEEGG[Ser43Leu]WGRGNPRFHS